The following is an entry in ClinVar:

ClinVar aggregate classification (germline): Pathogenic (1 of 4 stars; one submission).

Submission:

Labcorp Genetics (formerly Invitae), Labcorp
Classification: Pathogenic. Last evaluated: 2025-07-20. Review status: criteria provided, single submitter. Criteria: Invitae Variant Classification Sherloc (09022015). Collection method: clinical testing. Allele origin: germline.
Comment: This sequence change creates a premature translational stop signal (p.Asn84Thrfs*2) in the MICU1 gene. It is expected to result in an absent or disrupted protein product. Loss-of-function variants in MICU1 are known to be pathogenic (PMID: 24336167). This variant is not present in population databases (gnomAD no frequency). This variant has not been reported in the literature in individuals affected with MICU1-related conditions. For these reasons, this variant has been classified as Pathogenic.

Literature cited by the submitters: PubMed 24336167.

NM_001195518.2(MICU1):c.251_252del (p.Asn84fs)

Gene: MICU1 (mitochondrial calcium uptake 1; minus strand). Cytogenetic location: 10q22.1.
Variant type: Deletion.
Coding change: c.251_252del on transcript NM_001195518.2 (MANE Select); coding-DNA positions 251 to 252, 2 bases deleted (AC; older notation c.251_252delAC).
Protein change: p.Asn84fs; shifts the reading frame from asparagine 84.
Molecular consequence: frameshift variant. On other transcripts: 5 prime UTR variant (3), non-coding transcript variant (3), intron variant (1).
Genome position (GRCh38, 1-based): chr10:72,562,973-72,562,974, GT deleted on the plus strand (AC on the coding strand, the reverse complement: MICU1 is on the minus strand). VCF-style (leftmost placement, unchanged base first): chr10-72562972-GGT-G. GRCh37 (hg19) VCF-style: chr10-74322730-GGT-G.
Other names: c.251_252del, p.Asn84fs (NM_001363513.2, NM_001441218.1, NM_001441219.1 and 9 more transcripts); c.152_153del, p.Asn51fs (NM_001441226.1); c.-499_-498del (NM_001441230.1); c.-455_-454del (NM_001441231.1); c.-319_-318del (NM_001441233.1); c.-3-11633_-3-11632del (NM_001441228.1); short protein forms N51fs, N84fs.
Identifiers: ClinVar variation 4723573 (VCV004723573.1).